The following is an entry in ClinVar:

NM_001376571.1(MADD):c.2411G>A (p.Arg804Gln)

Gene: MADD (MAP kinase activating death domain; plus strand). Cytogenetic location: 11p11.2.
Variant type: single nucleotide variant.
Coding change: c.2411G>A on transcript NM_001376571.1 (MANE Select); coding-DNA position 2411, G replaced by A.
Protein change: p.Arg804Gln; replaces arginine 804 with glutamine.
Molecular consequence: missense variant. On other transcripts: non-coding transcript variant (5), intron variant (55).
Genome position (GRCh38, 1-based): chr11:47,285,194, G>A. VCF-style: chr11-47285194-G-A. GRCh37 (hg19) VCF-style: chr11-47306745-G-A.
Other names: c.2411G>A, p.Arg804Gln (NM_001376610.1, NM_001376611.1, NM_001376612.1 and 31 more transcripts); c.2207G>A, p.Arg736Gln (NM_001376620.1, NM_001376626.1, NM_001376648.1 and 1 more transcripts); c.2411G>A, p.Arg804His (NM_001376631.1, NM_001376578.1); c.1745G>A, p.Arg582Gln (NM_001376663.1); c.2282+129G>A (NM_001376651.1, NM_001376641.1, NM_001376595.1 and 43 more transcripts); c.2258+129G>A (NM_001376602.1); c.2078+129G>A (NM_001376627.1, NM_001376659.1, NM_001376635.1 and 5 more transcripts); short protein forms R804H, R582Q, R804Q, R736Q.
Identifiers: ClinVar variation 872378 (VCV000872378.43), dbSNP rs376589140, ClinGen allele CA5974427.
Genomic context (GRCh38, chr11:47,285,194, plus strand): 5'-ATGAGGATGAGCAGGGGGAAAGTTACACTCCCCGATTCAGCCAACATGTCAGTGGCAATC[G>A]GTGAGAGCCTGGGCATCCCTTCTAGATGGGTGACTGAAGGACCTCACCTCAGTGGACCCT-3'
Protein context (NP_001363500.1, residues 794-814): PRFSQHVSGN[Arg804Gln]AQKLLRPNSL

ClinVar aggregate classification (germline): Uncertain significance. Review status: criteria provided, multiple submitters, no conflicts (2 of 4 stars). 2 submissions from 2 submitters: Uncertain significance (2). Last evaluated 2026-04-01.

Allele frequency attached by ClinVar (database versions not stated): TOPMed 0.00006; ESP Exome Variant Server 0.00008.
gnomAD v4.1: 57 of 1,613,142 alleles (0.0035%); highest among the groups gnomAD compares: Non-Finnish European, 0.0044%; no homozygotes.

Submissions (2):

CeGaT Center for Human Genetics Tuebingen
Classification: Uncertain significance. Last evaluated: 2026-04-01. Review status: criteria provided, single submitter. Criteria: CeGaT Center For Human Genetics Tuebingen Variant Classification Criteria Version 2. Collection method: clinical testing. Allele origin: germline. Affected: yes. Observed: 1 variant allele.
Comment: MADD: PM2, PM3:Supporting, PP3

Revvity Omics, Revvity
Classification: Uncertain significance. Last evaluated: 2023-07-26. Review status: criteria provided, single submitter. Criteria: ACMG Guidelines, 2015. Collection method: clinical testing. Allele origin: germline.